The following is an entry in ClinVar:

NM_015331.3(NCSTN):c.1156A>G (p.Lys386Glu)

Gene: NCSTN (nicastrin; plus strand). Cytogenetic location: 1q23.2.
Variant type: single nucleotide variant.
Coding change: c.1156A>G on transcript NM_015331.3 (MANE Select); coding-DNA position 1156, A replaced by G.
Protein change: p.Lys386Glu; replaces lysine 386 with glutamic acid.
Molecular consequence: missense variant.
Genome position (GRCh38, 1-based): chr1:160,353,214, A>G. VCF-style: chr1-160353214-A-G. GRCh37 (hg19) VCF-style: chr1-160323004-A-G.
Other names: c.1096A>G, p.Lys366Glu (NM_001290184.2); c.742A>G, p.Lys248Glu (NM_001290186.2); c.1156A>G, p.Lys386Glu (NM_001349729.2); short protein forms K366E, K248E, K386E.
Identifiers: ClinVar variation 2991976 (VCV002991976.3), dbSNP rs1376092854, ClinGen allele CA343281190.

ClinVar aggregate classification (germline): Uncertain significance (1 of 4 stars; one submission).

Allele frequency attached by ClinVar (database versions not stated): TOPMed below 0.00001.

Submission:

Labcorp Genetics (formerly Invitae), Labcorp
Classification: Uncertain significance. Last evaluated: 2023-10-05. Review status: criteria provided, single submitter. Criteria: Invitae Variant Classification Sherloc (09022015). Collection method: clinical testing. Allele origin: germline.
Comment: This sequence change replaces lysine, which is basic and polar, with glutamic acid, which is acidic and polar, at codon 386 of the NCSTN protein (p.Lys386Glu). This variant is not present in population databases (gnomAD no frequency). This variant has not been reported in the literature in individuals affected with NCSTN-related conditions. Advanced modeling of protein sequence and biophysical properties (such as structural, functional, and spatial information, amino acid conservation, physicochemical variation, residue mobility, and thermodynamic stability) performed at Invitae indicates that this missense variant is not expected to disrupt NCSTN protein function. In summary, the available evidence is currently insufficient to determine the role of this variant in disease. Therefore, it has been classified as a Variant of Uncertain Significance.